The following is an entry in ClinVar:

ClinVar aggregate classification (germline): Uncertain significance. Review status: criteria provided, multiple submitters, no conflicts (2 of 4 stars). 3 submissions from 3 submitters: Uncertain significance (3). Last evaluated 2025-10-08.

Conditions:
Polycystic liver disease 3 with or without kidney cysts. Identifiers: MedGen C4693472, MONDO:0054743, OMIM 617874.
ALG8 congenital disorder of glycosylation. Also called: CONGENITAL DISORDER OF GLYCOSYLATION, TYPE Ih; CDG Ih; ALG8-CDG. Identifiers: Orphanet 79325, MedGen C2931002, MONDO:0011969, OMIM 608104.

Allele frequency attached by ClinVar (database versions not stated): TOPMed 0.00003; ExAC 0.00004; gnomAD 0.00004; gnomAD exomes 0.00004; 1000 Genomes Project 30x 0.00047; 1000 Genomes Project 0.00060.
gnomAD v4.1: 69 of 1,614,126 alleles (0.0043%); highest among the groups gnomAD compares: Middle Eastern, 0.099%; 1 homozygote.

Submissions (3):

Labcorp Genetics (formerly Invitae), Labcorp
Classification: Uncertain significance for ALG8 congenital disorder of glycosylation. Last evaluated: 2025-10-08. Review status: criteria provided, single submitter. Criteria: Invitae Variant Classification Sherloc (09022015). Collection method: clinical testing. Allele origin: germline.
Comment: This sequence change replaces threonine, which is neutral and polar, with methionine, which is neutral and non-polar, at codon 64 of the ALG8 protein (p.Thr64Met). This variant is present in population databases (rs181948065, gnomAD 0.02%). This variant has not been reported in the literature in individuals affected with ALG8-related conditions. ClinVar contains an entry for this variant (Variation ID: 1944728). Invitae Evidence Modeling of protein sequence and biophysical properties (such as structural, functional, and spatial information, amino acid conservation, physicochemical variation, residue mobility, and thermodynamic stability) indicates that this missense variant is expected to disrupt ALG8 protein function with a positive predictive value of 80%. In summary, the available evidence is currently insufficient to determine the role of this variant in disease. Therefore, it has been classified as a Variant of Uncertain Significance.

GeneDx
Classification: Uncertain significance. Last evaluated: 2024-09-05. Review status: criteria provided, single submitter. Criteria: GeneDx Variant Classification Process June 2021. Collection method: clinical testing. Allele origin: germline. Affected: yes.
Comment: In silico analysis supports that this missense variant has a deleterious effect on protein structure/function; Has not been previously published as pathogenic or benign to our knowledge

Fulgent Genetics
Classification: Uncertain significance for ALG8 congenital disorder of glycosylation; Polycystic liver disease 3 with or without kidney cysts. Last evaluated: 2024-03-11. Review status: criteria provided, single submitter. Criteria: ACMG Guidelines, 2015. Collection method: clinical testing. Allele origin: germline.

NM_024079.5(ALG8):c.191C>T (p.Thr64Met)

Gene: ALG8 (ALG8 alpha-1,3-glucosyltransferase; minus strand). Cytogenetic location: 11q14.1.
Variant type: single nucleotide variant.
Coding change: c.191C>T on transcript NM_024079.5 (MANE Select); coding-DNA position 191, C replaced by T.
Protein change: p.Thr64Met; replaces threonine 64 with methionine.
Molecular consequence: missense variant.
Genome position (GRCh38, 1-based): chr11:78,124,198, G>A on the plus strand (C>T on the coding strand, the complement: ALG8 is on the minus strand). VCF-style: chr11-78124198-G-A. GRCh37 (hg19) VCF-style: chr11-77835244-G-A.
Other names: c.191C>T (NM_024079.4); c.191C>T, p.Thr64Met (NM_001007027.3); short protein forms T64M.
Identifiers: ClinVar variation 1944728 (VCV001944728.7), dbSNP rs181948065, ClinGen allele CA6203554.